The following is an entry in ClinVar:

ClinVar aggregate classification (germline): Uncertain significance. Review status: criteria provided, multiple submitters, no conflicts (2 of 4 stars). 2 submissions from 2 submitters: Uncertain significance (2). Last evaluated 2025-10-08.

Conditions:
Hereditary spastic paraplegia 8 (SPG8). Also called: SPASTIC PARAPLEGIA 8, AUTOSOMAL DOMINANT. Identifiers: Orphanet 100989, MedGen C1863704, MONDO:0011339, OMIM 603563.
Ritscher-Schinzel syndrome. Also called: CRANIOCEREBELLOCARDIAC DYSPLASIA. Identifiers: Orphanet 7, MedGen C0796137, MONDO:0019078.

Allele frequency attached by ClinVar (database versions not stated): gnomAD exomes 0.00003 and 0.00004; ExAC 0.00004; TOPMed 0.00002; gnomAD 0.00003.
gnomAD v4.1: 45 of 1,614,006 alleles (0.0028%); highest among the groups gnomAD compares: South Asian, 0.03%; 1 homozygote.

Submissions (2):

Labcorp Genetics (formerly Invitae), Labcorp
Classification: Uncertain significance for Ritscher-Schinzel syndrome; Hereditary spastic paraplegia 8. Last evaluated: 2025-10-08. Review status: criteria provided, single submitter. Criteria: Invitae Variant Classification Sherloc (09022015). Collection method: clinical testing. Allele origin: germline.
Comment: This sequence change replaces threonine, which is neutral and polar, with methionine, which is neutral and non-polar, at codon 1106 of the WASHC5 protein (p.Thr1106Met). This variant is present in population databases (rs751130899, gnomAD 0.02%). This variant has not been reported in the literature in individuals affected with WASHC5-related conditions. ClinVar contains an entry for this variant (Variation ID: 1677889). Invitae Evidence Modeling of protein sequence and biophysical properties (such as structural, functional, and spatial information, amino acid conservation, physicochemical variation, residue mobility, and thermodynamic stability) indicates that this missense variant is not expected to disrupt WASHC5 protein function with a negative predictive value of 80%. In summary, the available evidence is currently insufficient to determine the role of this variant in disease. Therefore, it has been classified as a Variant of Uncertain Significance.

AiLife Diagnostics
Classification: Uncertain significance. Last evaluated: 2022-02-04. Review status: criteria provided, single submitter. Criteria: ACMG Guidelines, 2015. Collection method: clinical testing. Allele origin: germline. Affected: yes. Observed: 1 variant allele.

NM_014846.4(WASHC5):c.3317C>T (p.Thr1106Met)

Genes: WASHC5 (WASH complex subunit 5; minus strand), LOC126860498 (P300/CBP strongly-dependent group 1 enhancer GRCh37_chr8:126043836-126045035; plus strand). Cytogenetic location: 8q24.13.
Variant type: single nucleotide variant.
Coding change: c.3317C>T on transcript NM_014846.4 (MANE Select); coding-DNA position 3317, C replaced by T.
Protein change: p.Thr1106Met; replaces threonine 1106 with methionine.
Molecular consequence: missense variant.
Genome position (GRCh38, 1-based): chr8:125,032,259, G>A on the plus strand (C>T on the coding strand, the complement: WASHC5 is on the minus strand). VCF-style: chr8-125032259-G-A. GRCh37 (hg19) VCF-style: chr8-126044501-G-A.
Other names: c.2873C>T, p.Thr958Met (NM_001330609.2); short protein forms T1106M, T958M.
Identifiers: ClinVar variation 1677889 (VCV001677889.2), dbSNP rs751130899, ClinGen allele CA4873257.